The following is an entry in ClinVar:

NM_004370.6(COL12A1):c.6198A>C (p.Pro2066=)

Gene: COL12A1 (collagen type XII alpha 1 chain; minus strand). Cytogenetic location: 6q13.
Variant type: single nucleotide variant.
Coding change: c.6198A>C on transcript NM_004370.6 (MANE Select); coding-DNA position 6198, A replaced by C.
Protein change: p.Pro2066=; no amino-acid change (proline 2066 retained).
Molecular consequence: synonymous variant.
Genome position (GRCh38, 1-based): chr6:75,130,103, T>G on the plus strand (A>C on the coding strand, the complement: COL12A1 is on the minus strand). VCF-style: chr6-75130103-T-G. GRCh37 (hg19) VCF-style: chr6-75839819-T-G.
Other names: p.Pro2066=; c.2706A>C, p.Pro902= (NM_080645.3).
Identifiers: ClinVar variation 259342 (VCV000259342.17), dbSNP rs34619869, ClinGen allele CA3892876.

ClinVar aggregate classification (germline): Benign/Likely benign. Review status: criteria provided, multiple submitters, no conflicts (2 of 4 stars). 5 submissions from 5 submitters: Benign (4); Likely benign (1). Last evaluated 2026-03-31.

Conditions:
Ullrich congenital muscular dystrophy 2 (UCMD2). Identifiers: Orphanet 75840, MedGen C4225314, MONDO:0014654, OMIM 616470.
Bethlem myopathy 2 (BTHLM2). Identifiers: Orphanet 536516, Orphanet 610, MedGen C4225313, MONDO:0034022, OMIM 616471.

Allele frequency attached by ClinVar (database versions not stated): ExAC 0.00363; gnomAD 0.01058 and 0.01132; TOPMed 0.01197; ESP Exome Variant Server 0.01290; 1000 Genomes Project 0.01318; 1000 Genomes Project 30x 0.01452.
gnomAD v4.1: 3,270 of 1,613,380 alleles (0.2%); highest among the groups gnomAD compares: African/African-American, 3.6%; 52 homozygotes.

Submissions (5):

Women's Health and Genetics/Laboratory Corporation of America, LabCorp
Classification: Likely benign. Last evaluated: 2026-03-31. Review status: criteria provided, single submitter. Criteria: LabCorp Variant Classification Summary - May 2015. Collection method: clinical testing. Allele origin: germline.

Labcorp Genetics (formerly Invitae), Labcorp
Classification: Benign for Bethlem myopathy 2; Ullrich congenital muscular dystrophy 2. Last evaluated: 2026-02-01. Review status: criteria provided, single submitter. Criteria: Invitae Variant Classification Sherloc (09022015). Collection method: clinical testing. Allele origin: germline.

Mayo Clinic Laboratories, Mayo Clinic
Classification: Benign. Last evaluated: 2023-02-01. Review status: criteria provided, single submitter. Criteria: ACMG Guidelines, 2015. Collection method: clinical testing. Allele origin: germline. Observed: 19 variant alleles.
Comment: BA1, BP4, BP7

GeneDx
Classification: Benign. Last evaluated: 2019-08-26. Review status: criteria provided, single submitter. Criteria: GeneDx Variant Classification Process June 2021. Collection method: clinical testing. Allele origin: germline. Affected: yes.

PreventionGenetics, part of Exact Sciences
Classification: Benign. Review status: criteria provided, single submitter. Criteria: ACMG Guidelines, 2015. Collection method: clinical testing. Allele origin: germline.